The following is an entry in ClinVar:

NM_001278116.2(L1CAM):c.3187C>T (p.Leu1063Phe)

Gene: L1CAM (L1 cell adhesion molecule; minus strand). Cytogenetic location: Xq28.
Variant type: single nucleotide variant.
Coding change: c.3187C>T on transcript NM_001278116.2 (MANE Select); coding-DNA position 3187, C replaced by T.
Protein change: p.Leu1063Phe; replaces leucine 1063 with phenylalanine.
Molecular consequence: missense variant.
Genome position (GRCh38, 1-based): chrX:153,864,457, G>A on the plus strand (C>T on the coding strand, the complement: L1CAM is on the minus strand). VCF-style: chrX-153864457-G-A. GRCh37 (hg19) VCF-style: chrX-153129912-G-A.
Other names: c.3187C>T, p.Leu1063Phe (NM_000425.5, NM_024003.3); c.3172C>T, p.Leu1058Phe (NM_001143963.2); short protein forms L1063F, L1058F.
Identifiers: ClinVar variation 588841 (VCV000588841.5), dbSNP rs1569544630, ClinGen allele CA415111302.

ClinVar aggregate classification (germline): Uncertain significance (1 of 4 stars; one submission).

Conditions:
Inborn genetic diseases. Identifiers: MedGen C0950123, MeSH D030342.

Submission:

Ambry Genetics
Classification: Uncertain significance for Inborn genetic diseases. Last evaluated: 2017-07-12. Review status: criteria provided, single submitter. Criteria: Ambry Variant Classification Scheme 2023. Collection method: clinical testing. Allele origin: germline.
Comment: The p.L1063F variant (also known as c.3187C>T), located in coding exon 24 of the L1CAM gene, results from a C to T substitution at nucleotide position 3187. The leucine at codon 1063 is replaced by phenylalanine, an amino acid with highly similar properties. This amino acid position is not well conserved in available vertebrate species. In addition, this alteration is predicted to be tolerated by in silico analysis. Since supporting evidence is limited at this time, the clinical significance of this alteration remains unclear.